The following is an entry in ClinVar:

NM_018297.4(NGLY1):c.658+1G>A

Gene: NGLY1 (N-glycanase 1; minus strand). Cytogenetic location: 3p24.2.
Variant type: single nucleotide variant.
Coding change: c.658+1G>A on transcript NM_018297.4 (MANE Select); the canonical splice donor site of the intron after coding-DNA position 658, G replaced by A.
Molecular consequence: splice donor variant.
Genome position (GRCh38, 1-based): chr3:25,751,097, C>T on the plus strand (G>A on the coding strand, the complement: NGLY1 is on the minus strand). VCF-style: chr3-25751097-C-T. GRCh37 (hg19) VCF-style: chr3-25792588-C-T.
Other names: c.532+1G>A (NM_001145294.2); c.658+1G>A (NM_001145295.2, NM_001145293.2).
Identifiers: ClinVar variation 967858 (VCV000967858.8), dbSNP rs756045177, ClinGen allele CA2289422.

ClinVar aggregate classification (germline): Likely pathogenic. Review status: criteria provided, multiple submitters, no conflicts (2 of 4 stars). 2 submissions from 2 submitters: Likely pathogenic (2). Last evaluated 2026-01-19.

Conditions:
Congenital disorder of deglycosylation (CDDG). Identifiers: MedGen C3808991, MONDO:0031376.

Allele frequency attached by ClinVar (database versions not stated): gnomAD exomes below 0.00001 and 0.00001; ExAC 0.00002.
gnomAD v4.1: 2 of 1,609,490 alleles (0.00012%); highest among the groups gnomAD compares: Admixed American, 0.0034%; no homozygotes.

Submissions (2):

Labcorp Genetics (formerly Invitae), Labcorp
Classification: Likely pathogenic for Congenital disorder of deglycosylation. Last evaluated: 2026-01-19. Review status: criteria provided, single submitter. Criteria: Invitae Variant Classification Sherloc (09022015). Collection method: clinical testing. Allele origin: germline.
Comment: This sequence change affects a donor splice site in intron 4 of the NGLY1 gene. It is expected to disrupt RNA splicing. Variants that disrupt the donor or acceptor splice site typically lead to a loss of protein function (PMID: 16199547), and loss-of-function variants in NGLY1 are known to be pathogenic (PMID: 24651605). This variant is present in population databases (rs756045177, gnomAD 0.006%). Disruption of this splice site has been observed in individual(s) with intellectual disability, hypotonia, and seizures (PMID: 25356970). ClinVar contains an entry for this variant (Variation ID: 967858). Algorithms developed to predict the effect of sequence changes on RNA splicing suggest that this variant may disrupt the consensus splice site. In summary, the currently available evidence indicates that the variant is pathogenic, but additional data are needed to prove that conclusively. Therefore, this variant has been classified as Likely Pathogenic.

GeneDx
Classification: Likely pathogenic. Last evaluated: 2021-11-20. Review status: criteria provided, single submitter. Criteria: GeneDx Variant Classification Process June 2021. Collection method: clinical testing. Allele origin: germline. Affected: yes.
Comment: Canonical splice site variant predicted to result in a null allele in a gene for which loss-of-function is a known mechanism of disease; Not observed at significant frequency in large population cohorts (Lek et al., 2016); Reported in an individual with intellectual disability, hypotonia, and seizures undergoing exome sequencing; the variant was compound heterozygous with a frameshift variant in NGLY1 (Farwell et al., 2015); This variant is associated with the following publications: (PMID: 25356970)

Literature cited by the submitters: PubMed 16199547 (cited by Labcorp Genetics (formerly Invitae), Labcorp); PubMed 24651605 (cited by Labcorp Genetics (formerly Invitae), Labcorp); PubMed 25356970 (cited by Labcorp Genetics (formerly Invitae), Labcorp).